The following is an entry in ClinVar:

NM_032539.5(SLITRK2):c.10G>T (p.Gly4Cys)

Gene: SLITRK2 (SLIT and NTRK like family member 2; plus strand). Cytogenetic location: Xq27.3.
Variant type: single nucleotide variant.
Coding change: c.10G>T on transcript NM_032539.5 (MANE Select); coding-DNA position 10, G replaced by T.
Protein change: p.Gly4Cys; replaces glycine 4 with cysteine.
Molecular consequence: missense variant.
Genome position (GRCh38, 1-based): chrX:145,822,435, G>T. VCF-style: chrX-145822435-G-T. GRCh37 (hg19) VCF-style: chrX-144903953-G-T.
Other names: c.10G>T, p.Gly4Cys (NM_001144003.3, NM_001144004.3, NM_001144005.3 and 4 more transcripts); short protein forms G4C.
Identifiers: ClinVar variation 4169834 (VCV004169834.2).

ClinVar aggregate classification (germline): Conflicting classifications of pathogenicity. Review status: criteria provided, conflicting classifications (1 of 4 stars). 2 submissions from 2 submitters: Uncertain significance (1); Likely benign (1). Last evaluated 2026-09-01.

gnomAD v4.1: 52 of 1,203,253 alleles (0.0043%); highest among the groups gnomAD compares: Admixed American, 0.06%; no homozygotes.

Submissions (2):

CeGaT Center for Human Genetics Tuebingen
Classification: Likely benign. Last evaluated: 2026-09-01. Review status: criteria provided, single submitter. Criteria: CeGaT Center For Human Genetics Tuebingen Variant Classification Criteria Version 2. Collection method: clinical testing. Allele origin: germline. Affected: yes. Observed: 1 variant allele.
Comment: SLITRK2: BP4, BS2

Ambry Genetics
Classification: Uncertain significance. Last evaluated: 2025-08-01. Review status: criteria provided, single submitter. Criteria: Ambry Variant Classification Scheme 2023. Collection method: clinical testing. Allele origin: germline.